The following is an entry in ClinVar:

ClinVar aggregate classification (germline): Uncertain significance (1 of 4 stars; one submission).

Submission:

GeneDx
Classification: Uncertain significance. Last evaluated: 2024-10-09. Review status: criteria provided, single submitter. Criteria: GeneDx Variant Classification Process June 2021. Collection method: clinical testing. Allele origin: germline. Affected: yes.
Comment: Not observed at significant frequency in large population cohorts (gnomAD); In silico analysis supports that this missense variant has a deleterious effect on protein structure/function; Has not been previously published as pathogenic or benign to our knowledge

NM_001145358.2(SIN3A):c.116C>A (p.Pro39His)

Gene: SIN3A (SIN3 transcription regulator family member A; minus strand). Cytogenetic location: 15q24.2.
Variant type: single nucleotide variant.
Coding change: c.116C>A on transcript NM_001145358.2 (MANE Select); coding-DNA position 116, C replaced by A.
Protein change: p.Pro39His; replaces proline 39 with histidine.
Molecular consequence: missense variant.
Genome position (GRCh38, 1-based): chr15:75,430,260, G>T on the plus strand (C>A on the coding strand, the complement: SIN3A is on the minus strand). VCF-style: chr15-75430260-G-T. GRCh37 (hg19) VCF-style: chr15-75722601-G-T.
Other names: c.116C>A, p.Pro39His (NM_001145357.2, NM_015477.3); short protein forms P39H.
Identifiers: ClinVar variation 3777380 (VCV003777380.1).